The following is an entry in ClinVar:

NM_031433.4(MFRP):c.266T>C (p.Leu89Pro)

Genes: C1QTNF5 (C1q and TNF related 5; minus strand), MFRP (membrane frizzled-related protein; minus strand). Cytogenetic location: 11q23.3.
Variant type: single nucleotide variant.
Coding change: c.266T>C on transcript NM_031433.4 (MANE Select); coding-DNA position 266, T replaced by C.
Protein change: p.Leu89Pro; replaces leucine 89 with proline.
Molecular consequence: missense variant. On other transcripts: 5 prime UTR variant (1).
Genome position (GRCh38, 1-based): chr11:119,346,051, A>G on the plus strand (T>C on the coding strand, the complement: MFRP is on the minus strand). VCF-style: chr11-119346051-A-G. GRCh37 (hg19) VCF-style: chr11-119216761-A-G.
Other names: c.-2371T>C (NM_015645.5); short protein forms L89P.
Identifiers: ClinVar variation 1056928 (VCV001056928.9), dbSNP rs1449728111, ClinGen allele CA382979377.

ClinVar aggregate classification (germline): Uncertain significance (1 of 4 stars; one submission).

Conditions:
Isolated microphthalmia 5. Also called: Posterior Microphthalmia with Retinitis Pigmentosa, Foveoschisis, and Optic Disc Drusen. Identifiers: Orphanet 251279, MedGen C1970236, MONDO:0012605, OMIM 611040.

Allele frequency attached by ClinVar (database versions not stated): gnomAD exomes below 0.00001.
gnomAD v4.1: 1 of 1,611,270 alleles (0.000062%); highest among the groups gnomAD compares: Non-Finnish European, 0.000085%; no homozygotes.

Submission:

Labcorp Genetics (formerly Invitae), Labcorp
Classification: Uncertain significance for Isolated microphthalmia 5. Last evaluated: 2020-07-15. Review status: criteria provided, single submitter. Criteria: Invitae Variant Classification Sherloc (09022015). Collection method: clinical testing. Allele origin: germline.
Comment: In summary, the available evidence is currently insufficient to determine the role of this variant in disease. Therefore, it has been classified as a Variant of Uncertain Significance. Algorithms developed to predict the effect of missense changes on protein structure and function are either unavailable or do not agree on the potential impact of this missense change (SIFT: "Deleterious"; PolyPhen-2: "Probably Damaging"; Align-GVGD: "Class C0"). This variant has not been reported in the literature in individuals with MFRP-related conditions. This variant is not present in population databases (ExAC no frequency). This sequence change replaces leucine with proline at codon 89 of the MFRP protein (p.Leu89Pro). The leucine residue is highly conserved and there is a moderate physicochemical difference between leucine and proline.